The following is an entry in ClinVar:

NM_014244.5(ADAMTS2):c.74_75insCCAGGAAGTG (p.Pro26fs)

Gene: ADAMTS2 (ADAM metallopeptidase with thrombospondin type 1 motif 2; minus strand). Cytogenetic location: 5q35.3.
Variant type: Insertion.
Coding change: c.74_75insCCAGGAAGTG on transcript NM_014244.5 (MANE Select); coding-DNA positions 74 to 75, CCAGGAAGTG inserted.
Protein change: p.Pro26fs; shifts the reading frame from proline 26.
Molecular consequence: frameshift variant.
Genome position: GRCh38 VCF-style: chr5-179345254-C-CCACTTCCTGG. GRCh37 (hg19) VCF-style: chr5-178772255-C-CCACTTCCTGG.
Other names: c.74_75insCCAGGAAGTG, p.Pro26fs (NM_021599.4); short protein forms P26fs.
Identifiers: ClinVar variation 5011197 (VCV005011197.1).
Genomic context (GRCh38, chr5:179,345,254, plus strand): 5'-GGGGTCGGCGGCGGCGGCGAGCCTGGCGTTCGCGGGCGGCGGCGGCGGCGGCAGGAGCGG[C>CCACTTCCTGG]GGCGGCAGCAGCAGCAGCAGCAGCAGCAGCGCGGGGCAGAGCAGGCGGCGAGCGGCTCCC-3'

ClinVar aggregate classification (germline): Pathogenic (1 of 4 stars; one submission).

Conditions:
Ehlers-Danlos syndrome, dermatosparaxis type. Also called: EDS VIIC; Dermatosparaxis; Ehlers-Danlos syndrome, type VII, autosomal recessive. Identifiers: Orphanet 1901, MedGen C2700425, MONDO:0009161, OMIM 225410.

Submission:

Myriad Genetics, Inc.
Classification: Pathogenic for Ehlers-Danlos syndrome, dermatosparaxis type. Last evaluated: 2024-05-14. Review status: criteria provided, single submitter. Criteria: Myriad Autosomal Dominant, Autosomal Recessive and X-Linked Classification Criteria (2023). Collection method: clinical testing. Allele origin: unknown.
Comment: NM_014244.4(ADAMTS2):c.74_75ins10(P26Qfs*43) is expected to be pathogenic in the context of Ehlers-Danlos syndrome, ADAMTS2-related. This variant is predicted to lead to an abnormal or absent protein product due to the creation of a premature termination codon in ADAMTS2, a gene where loss-of-function variants are known to be pathogenic. Please note: this variant was assessed in the context of healthy population screening.